The following is an entry in ClinVar:

ClinVar aggregate classification (germline): Uncertain significance (1 of 4 stars; one submission).

Conditions:
Hereditary diffuse gastric adenocarcinoma (HDGC). Also called: DIFFUSE GASTRIC AND LOBULAR BREAST CANCER SYNDROME. Identifiers: Orphanet 26106, MedGen C1708349, MONDO:0007648, OMIM 137215.

Submission:

Labcorp Genetics (formerly Invitae), Labcorp
Classification: Uncertain significance for Hereditary diffuse gastric adenocarcinoma. Last evaluated: 2025-11-09. Review status: criteria provided, single submitter. Criteria: Invitae Variant Classification Sherloc (09022015). Collection method: clinical testing. Allele origin: germline.
Comment: This sequence change replaces asparagine, which is neutral and polar, with lysine, which is basic and polar, at codon 371 of the CDH1 protein (p.Asn371Lys). This variant is not present in population databases (gnomAD no frequency). This variant has not been reported in the literature in individuals affected with CDH1-related conditions. An algorithm developed to predict the effect of missense changes on protein structure and function (PolyPhen-2) suggests that this variant is likely to be disruptive. In summary, the available evidence is currently insufficient to determine the role of this variant in disease. Therefore, it has been classified as a Variant of Uncertain Significance.

NM_004360.5(CDH1):c.1113T>A (p.Asn371Lys)

Gene: CDH1 (cadherin 1; plus strand). Cytogenetic location: 16q22.1.
Variant type: single nucleotide variant.
Coding change: c.1113T>A on transcript NM_004360.5 (MANE Select); coding-DNA position 1113, T replaced by A.
Protein change: p.Asn371Lys; replaces asparagine 371 with lysine.
Molecular consequence: missense variant. On other transcripts: 5 prime UTR variant (2).
Genome position (GRCh38, 1-based): chr16:68,812,239, T>A. VCF-style: chr16-68812239-T-A. GRCh37 (hg19) VCF-style: chr16-68846142-T-A.
Other names: c.1113T>A, p.Asn371Lys (NM_001317184.2); c.-503T>A (NM_001317185.2); c.-707T>A (NM_001317186.2); short protein forms N371K.
Identifiers: ClinVar variation 4730758 (VCV004730758.1).
Genomic context (GRCh38, chr16:68,812,239, plus strand): 5'-AGGTGAGGGGTTAAGCACAACAGCAACAGCTGTGATCACAGTCACTGACACCAACGATAA[T>A]CCTCCGATCTTCAATCCCACCACGGTAATTCTATAACTCCTTAGAGGGTTTCCAAAGAAA-3'
Protein context (NP_004351.1, residues 361-381): AVITVTDTND[Asn371Lys]PPIFNPTTYK